The following is an entry in ClinVar:

NM_000090.4(COL3A1):c.3643G>A (p.Gly1215Ser)

Gene: COL3A1 (collagen type III alpha 1 chain; plus strand). Cytogenetic location: 2q32.2.
Variant type: single nucleotide variant.
Coding change: c.3643G>A on transcript NM_000090.4 (MANE Select); coding-DNA position 3643, G replaced by A.
Protein change: p.Gly1215Ser; replaces glycine 1215 with serine.
Molecular consequence: missense variant.
Genome position (GRCh38, 1-based): chr2:189,009,041, G>A. VCF-style: chr2-189009041-G-A. GRCh37 (hg19) VCF-style: chr2-189873767-G-A.
Other names: short protein forms G1215S.
Identifiers: ClinVar variation 920940 (VCV000920940.11), dbSNP rs767577382, ClinGen allele CA076221.

ClinVar aggregate classification (germline): Uncertain significance. Review status: criteria provided, multiple submitters, no conflicts (2 of 4 stars). 2 submissions from 2 submitters: Uncertain significance (2). Last evaluated 2025-05-23.

Conditions:
Familial thoracic aortic aneurysm and aortic dissection (TAAD). Also called: Thoracic aortic aneurysms and dissections. Identifiers: Orphanet 91387, MedGen C4707243, MONDO:0019625.
Ehlers-Danlos syndrome, type 4 (EDSVASC). Also called: Ehlers-Danlos Syndrome Type IV; Ehlers-Danlos syndrome vascular type; Ehlers Danlos syndrome, ecchymotic type; Ehlers Danlos syndrome, arterial type; Ehlers Danlos syndrome, Sack-Barabas type. Identifiers: Orphanet 286, MedGen C0268338, MONDO:0017314, OMIM 130050.

Allele frequency attached by ClinVar (database versions not stated): gnomAD 0.00001; gnomAD exomes 0.00001 and 0.00002; ExAC 0.00002; TOPMed 0.00002.
gnomAD v4.1: 19 of 1,613,994 alleles (0.0012%); highest among the groups gnomAD compares: Middle Eastern, 0.016%; no homozygotes.

Submissions (2):

Labcorp Genetics (formerly Invitae), Labcorp
Classification: Uncertain significance for Ehlers-Danlos syndrome, type 4. Last evaluated: 2025-05-23. Review status: criteria provided, single submitter. Criteria: Invitae Variant Classification Sherloc (09022015). Collection method: clinical testing. Allele origin: germline.
Comment: This sequence change replaces glycine, which is neutral and non-polar, with serine, which is neutral and polar, at codon 1215 of the COL3A1 protein (p.Gly1215Ser). This variant is present in population databases (rs767577382, gnomAD 0.01%). This variant has not been reported in the literature in individuals affected with COL3A1-related conditions. ClinVar contains an entry for this variant (Variation ID: 920940). Invitae Evidence Modeling of protein sequence and biophysical properties (such as structural, functional, and spatial information, amino acid conservation, physicochemical variation, residue mobility, and thermodynamic stability) indicates that this missense variant is not expected to disrupt COL3A1 protein function with a negative predictive value of 95%. In summary, the available evidence is currently insufficient to determine the role of this variant in disease. Therefore, it has been classified as a Variant of Uncertain Significance.

Color Diagnostics, LLC DBA Color Health
Classification: Uncertain significance for Familial thoracic aortic aneurysm and aortic dissection. Last evaluated: 2020-03-18. Review status: criteria provided, single submitter. Criteria: ACMG Guidelines, 2015. Collection method: clinical testing. Allele origin: germline.
Comment: This missense variant replaces glycine with serine at codon 1215 of the COL3A1 protein. Computational prediction suggests that this variant may not impact protein structure and function (internally defined REVEL score threshold <= 0.5, PMID: 27666373). Splice site prediction tools suggest that this variant may not impact RNA splicing. To our knowledge, functional studies have not been reported for this variant. This variant has not been reported in individuals affected with cardiovascular disorders in the literature. This variant has been identified in 5/282462 chromosomes in the general population by the Genome Aggregation Database (gnomAD). The available evidence is insufficient to determine the role of this variant in disease conclusively. Therefore, this variant is classified as a Variant of Uncertain Significance.